The following is an entry in ClinVar:

ClinVar aggregate classification (germline): Likely pathogenic. Review status: criteria provided, multiple submitters, no conflicts (2 of 4 stars). 4 submissions from 4 submitters: Likely pathogenic (2). 2 of the submissions do not count toward it. Last evaluated 2023-06-19.

Conditions:
Junctional epidermolysis bullosa gravis of Herlitz. Also called: Epidermolysis Bullosa Letalis; JEB-HERLITZ TYPE; EPIDERMOLYSIS BULLOSA JUNCTIONALIS, HERLITZ TYPE; EPIDERMOLYSIS BULLOSA, JUNCTIONAL, HERLITZ-PEARSON TYPE; Herlitz-type junctional epidermolysis bullosa; EPIDERMOLYSIS BULLOSA, JUNCTIONAL 1B, SEVERE. Identifiers: Orphanet 79404, MedGen C0079683, MONDO:0009182, OMIM 226700.
Junctional epidermolysis bullosa. Identifiers: Orphanet 305, MedGen C0079301, MONDO:0017612.

Allele frequency attached by ClinVar (database versions not stated): gnomAD exomes below 0.00001.
gnomAD v4.1: 2 of 1,606,134 alleles (0.00012%); highest among the groups gnomAD compares: Admixed American, 0.0033%; no homozygotes.

Submissions (4):

Labcorp Genetics (formerly Invitae), Labcorp
Classification: Likely pathogenic. Last evaluated: 2023-06-19. Review status: criteria provided, single submitter. Criteria: Invitae Variant Classification Sherloc (09022015). Collection method: clinical testing. Allele origin: germline.
Comment: This sequence change affects an acceptor splice site in intron 12 of the LAMB3 gene. It is expected to disrupt RNA splicing. Variants that disrupt the donor or acceptor splice site typically lead to a loss of protein function (PMID: 16199547), and loss-of-function variants in LAMB3 are known to be pathogenic (PMID: 11023379, 16473856). The frequency data for this variant in the population databases is considered unreliable, as metrics indicate poor data quality at this position in the gnomAD database. This variant has not been reported in the literature in individuals affected with LAMB3-related conditions. ClinVar contains an entry for this variant (Variation ID: 558343). Algorithms developed to predict the effect of sequence changes on RNA splicing suggest that this variant may disrupt the consensus splice site. In summary, the currently available evidence indicates that the variant is pathogenic, but additional data are needed to prove that conclusively. Therefore, this variant has been classified as Likely Pathogenic.

Women's Health and Genetics/Laboratory Corporation of America, LabCorp
Classification: Likely pathogenic for Junctional epidermolysis bullosa. Last evaluated: 2023-03-24. Review status: criteria provided, single submitter. Criteria: LabCorp Variant Classification Summary - May 2015. Collection method: clinical testing. Allele origin: germline.
Comment: Variant summary: LAMB3 c.1486-1G>A is located in a canonical splice-site and is predicted to affect mRNA splicing resulting in a significantly altered protein due to either exon skipping, shortening, or inclusion of intronic material. On in-silico tool, TraP predicts its possibly damaging. The variant allele was found at a frequency of 4.1e-06 in 245098 control chromosomes. To our knowledge, no occurrence of c.1486-1G>A in individuals affected with Junctional Epidermolysis Bullosa and no experimental evidence demonstrating its impact on protein function have been reported. One clinical diagnostic laboratory has submitted clinical-significance assessments for this variant to ClinVar after 2014 and classified the variant as likely pathogenic. Based on the evidence outlined above, the variant was classified as likely pathogenic.

Counsyl
Classification: Likely pathogenic for Junctional epidermolysis bullosa gravis of Herlitz. Last evaluated: 2018-05-15. Review status: no assertion criteria provided. Collection method: clinical testing. Allele origin: unknown. Not counted in ClinVar's aggregate classification.

Baylor Genetics
Classification: Likely pathogenic for Junctional epidermolysis bullosa gravis of Herlitz. Review status: no assertion criteria provided. Collection method: clinical testing. Allele origin: unknown. Not counted in ClinVar's aggregate classification.

Literature cited by the submitters: PubMed 16199547 (cited by Labcorp Genetics (formerly Invitae), Labcorp); PubMed 11023379 (cited by Labcorp Genetics (formerly Invitae), Labcorp); PubMed 16473856 (cited by Labcorp Genetics (formerly Invitae), Labcorp).

NM_000228.3(LAMB3):c.1486-1G>A

Gene: LAMB3 (laminin subunit beta 3; minus strand). Cytogenetic location: 1q32.2.
Variant type: single nucleotide variant.
Coding change: c.1486-1G>A on transcript NM_000228.3 (MANE Select); the canonical splice acceptor site of the intron before coding-DNA position 1486, G replaced by A.
Molecular consequence: splice acceptor variant.
Genome position (GRCh38, 1-based): chr1:209,626,979, C>T on the plus strand (G>A on the coding strand, the complement: LAMB3 is on the minus strand). VCF-style: chr1-209626979-C-T. GRCh37 (hg19) VCF-style: chr1-209800324-C-T.
Other names: c.1486-1G>A (NM_001127641.1, NM_001017402.2).
Identifiers: ClinVar variation 558343 (VCV000558343.8), dbSNP rs1418276828, ClinGen allele CA344590274.